The following is an entry in ClinVar:

NM_005802.5(TOPORS):c.3136T>A (p.Ter1046Lys)

Gene: TOPORS (TOP1 binding arginine/serine rich protein, E3 ubiquitin ligase; minus strand). Cytogenetic location: 9p21.1.
Variant type: single nucleotide variant.
Coding change: c.3136T>A on transcript NM_005802.5 (MANE Select); coding-DNA position 3136, T replaced by A.
Protein change: p.Ter1046Lys.
Molecular consequence: stop lost.
Genome position (GRCh38, 1-based): chr9:32,541,389, A>T on the plus strand (T>A on the coding strand, the complement: TOPORS is on the minus strand). VCF-style: chr9-32541389-A-T. GRCh37 (hg19) VCF-style: chr9-32541387-A-T.
Other names: c.2941T>A, p.Ter981Lys (NM_001195622.2).
Identifiers: ClinVar variation 1449765 (VCV001449765.6), dbSNP rs2118963655, ClinGen allele CA373158831.

ClinVar aggregate classification (germline): Uncertain significance (1 of 4 stars; one submission).

Submission:

Labcorp Genetics (formerly Invitae), Labcorp
Classification: Uncertain significance. Last evaluated: 2022-07-05. Review status: criteria provided, single submitter. Criteria: Invitae Variant Classification Sherloc (09022015). Collection method: clinical testing. Allele origin: germline.
Comment: In summary, the available evidence is currently insufficient to determine the role of this variant in disease. Therefore, it has been classified as a Variant of Uncertain Significance. ClinVar contains an entry for this variant (Variation ID: 1449765). This variant has not been reported in the literature in individuals affected with TOPORS-related conditions. This variant is not present in population databases (gnomAD no frequency). This sequence change disrupts the translational stop signal of the TOPORS mRNA. It is expected to extend the length of the TOPORS protein by 13 additional amino acid residues.